The following is an entry in ClinVar:

ClinVar aggregate classification (germline): Uncertain significance (1 of 4 stars; one submission).

Submission:

Labcorp Genetics (formerly Invitae), Labcorp
Classification: Uncertain significance. Last evaluated: 2022-06-08. Review status: criteria provided, single submitter. Criteria: Invitae Variant Classification Sherloc (09022015). Collection method: clinical testing. Allele origin: germline.
Comment: This sequence change replaces serine, which is neutral and polar, with phenylalanine, which is neutral and non-polar, at codon 95 of the ADAMTS10 protein (p.Ser95Phe). In summary, the available evidence is currently insufficient to determine the role of this variant in disease. Therefore, it has been classified as a Variant of Uncertain Significance. Algorithms developed to predict the effect of missense changes on protein structure and function are either unavailable or do not agree on the potential impact of this missense change (SIFT: "Deleterious"; PolyPhen-2: "Possibly Damaging"; Align-GVGD: "Class C15"). This variant has not been reported in the literature in individuals affected with ADAMTS10-related conditions. This variant is not present in population databases (gnomAD no frequency).

NM_030957.4(ADAMTS10):c.284C>T (p.Ser95Phe)

Gene: ADAMTS10 (ADAM metallopeptidase with thrombospondin type 1 motif 10; minus strand). Cytogenetic location: 19p13.2.
Variant type: single nucleotide variant.
Coding change: c.284C>T on transcript NM_030957.4 (MANE Select); coding-DNA position 284, C replaced by T.
Protein change: p.Ser95Phe; replaces serine 95 with phenylalanine.
Molecular consequence: missense variant.
Genome position (GRCh38, 1-based): chr19:8,605,163, G>A on the plus strand (C>T on the coding strand, the complement: ADAMTS10 is on the minus strand). VCF-style: chr19-8605163-G-A. GRCh37 (hg19) VCF-style: chr19-8670048-G-A.
Other names: short protein forms S95F.
Identifiers: ClinVar variation 2003364 (VCV002003364.4), dbSNP rs2512653833, ClinGen allele CA403757572.